The following is an entry in ClinVar:

NM_001267550.2(TTN):c.24972C>A (p.Asn8324Lys)

Gene: TTN (titin; minus strand). Cytogenetic location: 2q31.2.
Variant type: single nucleotide variant.
Coding change: c.24972C>A on transcript NM_001267550.2 (MANE Select); coding-DNA position 24972, C replaced by A.
Protein change: p.Asn8324Lys; replaces asparagine 8324 with lysine.
Molecular consequence: missense variant. On other transcripts: intron variant (3).
Genome position (GRCh38, 1-based): chr2:178,718,034, G>T on the plus strand (C>A on the coding strand, the complement: TTN is on the minus strand). VCF-style: chr2-178718034-G-T. GRCh37 (hg19) VCF-style: chr2-179582761-G-T.
Other names: c.24021C>A, p.Asn8007Lys (NM_001256850.1); c.21240C>A, p.Asn7080Lys (NM_133378.4); c.13282+20048C>A (NM_003319.4); c.13858+20048C>A (NM_133437.4); c.13657+20048C>A (NM_133432.3); short protein forms N8324K, N7080K, N8007K.
Identifiers: ClinVar variation 466938 (VCV000466938.4), dbSNP rs879030954, ClinGen allele CA60970448.
Genomic context (GRCh38, chr2:178,718,034, plus strand): 5'-TGCCCCCACACTGTTGTCTGCCTTGCATGAATACTCTCCCACATCACTGTGATCCACTTT[G>T]TTGATTACTAAGGAAGCAACGTTATTTTTGAATTGCATTTTATATGCAGGAGCTGATCGT-3'
Protein context (NP_001254479.2, residues 8314-8334): FKNNVASLVI[Asn8324Lys]KVDHSDVGEY

ClinVar aggregate classification (germline): Conflicting classifications of pathogenicity. Review status: criteria provided, conflicting classifications (1 of 4 stars). 2 submissions from 2 submitters: Uncertain significance (1); Likely benign (1). Last evaluated 2018-03-16.

Conditions:
Autosomal recessive limb-girdle muscular dystrophy type 2J (LGMDR10). Also called: Limb-girdle muscular dystrophy, type 2J; MUSCULAR DYSTROPHY, LIMB-GIRDLE, AUTOSOMAL RECESSIVE 10. Identifiers: Orphanet 140922, MedGen C1837342, MONDO:0012127, OMIM 608807.
Dilated cardiomyopathy 1G (CMD1G). Identifiers: Orphanet 154, MedGen C1858763, MONDO:0011400, OMIM 604145.

Allele frequency attached by ClinVar (database versions not stated): gnomAD exomes below 0.00001.
gnomAD v4.1: 6 of 1,613,760 alleles (0.00037%); highest among the groups gnomAD compares: Admixed American, 0.0017%; no homozygotes.

Submissions (2):

GeneDx
Classification: Likely benign. Last evaluated: 2018-03-16. Review status: criteria provided, single submitter. Criteria: GeneDx Variant Classification (06012015). Collection method: clinical testing. Allele origin: germline. Affected: yes.
Comment: This variant is considered likely benign or benign based on one or more of the following criteria: it is a conservative change, it occurs at a poorly conserved position in the protein, it is predicted to be benign by multiple in silico algorithms, and/or has population frequency not consistent with disease.

Labcorp Genetics (formerly Invitae), Labcorp
Classification: Uncertain significance for Dilated cardiomyopathy 1G; Autosomal recessive limb-girdle muscular dystrophy type 2J. Last evaluated: 2017-05-22. Review status: criteria provided, single submitter. Criteria: Invitae Variant Classification Sherloc (09022015). Collection method: clinical testing. Allele origin: germline.